The following is an entry in ClinVar:

NM_000088.4(COL1A1):c.3520G>A (p.Ala1174Thr)

Gene: COL1A1 (collagen type I alpha 1 chain; minus strand). Cytogenetic location: 17q21.33.
Variant type: single nucleotide variant.
Coding change: c.3520G>A on transcript NM_000088.4 (MANE Select); coding-DNA position 3520, G replaced by A.
Protein change: p.Ala1174Thr; replaces alanine 1174 with threonine.
Molecular consequence: missense variant.
Genome position (GRCh38, 1-based): chr17:50,187,026, C>T on the plus strand (G>A on the coding strand, the complement: COL1A1 is on the minus strand). VCF-style: chr17-50187026-C-T. GRCh37 (hg19) VCF-style: chr17-48264387-C-T.
Other names: short protein forms A1174T.
Identifiers: ClinVar variation 3714903 (VCV003714903.2).

ClinVar aggregate classification (germline): Uncertain significance (1 of 4 stars; one submission).

Conditions:
Osteogenesis imperfecta type I (OI1). Also called: OI, TYPE I; OSTEOGENESIS IMPERFECTA TARDA; OSTEOGENESIS IMPERFECTA WITH BLUE SCLERAE; Osteogenesis imperfecta type 1; Lobstein's Disease; Lobstein disease. Identifiers: Orphanet 216796, Orphanet 666, MedGen C0023931, MONDO:0008146, OMIM 166200. Disease mechanism: loss of function.

Submission:

Labcorp Genetics (formerly Invitae), Labcorp
Classification: Uncertain significance for Osteogenesis imperfecta type I. Last evaluated: 2025-01-23. Review status: criteria provided, single submitter. Criteria: Invitae Variant Classification Sherloc (09022015). Collection method: clinical testing. Allele origin: germline.
Comment: This sequence change replaces alanine, which is neutral and non-polar, with threonine, which is neutral and polar, at codon 1174 of the COL1A1 protein (p.Ala1174Thr). This variant is not present in population databases (gnomAD no frequency). This variant has not been reported in the literature in individuals affected with COL1A1-related conditions. Invitae Evidence Modeling of protein sequence and biophysical properties (such as structural, functional, and spatial information, amino acid conservation, physicochemical variation, residue mobility, and thermodynamic stability) indicates that this missense variant is not expected to disrupt COL1A1 protein function with a negative predictive value of 95%. This variant disrupts the p.Ala1174 amino acid residue in COL1A1. Other variant(s) that disrupt this residue have been determined to be pathogenic (PMID: 21667357, 25674388). This suggests that this residue is clinically significant, and that variants that disrupt this residue are likely to be disease-causing. In summary, the available evidence is currently insufficient to determine the role of this variant in disease. Therefore, it has been classified as a Variant of Uncertain Significance.

Literature cited by the submitters: PubMed 21667357; PubMed 25674388.